The following is an entry in ClinVar:

ClinVar aggregate classification (germline): Uncertain significance (1 of 4 stars; one submission).

Conditions:
Duchenne muscular dystrophy (DMD). Also called: MUSCULAR DYSTROPHY, PSEUDOHYPERTROPHIC PROGRESSIVE, DUCHENNE TYPE; Duchenne Muscular Dystrophy (DMD). Identifiers: Orphanet 98896, MedGen C0013264, MONDO:0010679, OMIM 310200.

Submission:

Labcorp Genetics (formerly Invitae), Labcorp
Classification: Uncertain significance for Duchenne muscular dystrophy. Last evaluated: 2023-05-04. Review status: criteria provided, single submitter. Criteria: Invitae Variant Classification Sherloc (09022015). Collection method: clinical testing. Allele origin: germline.
Comment: In summary, the available evidence is currently insufficient to determine the role of this variant in disease. Therefore, it has been classified as a Variant of Uncertain Significance. Experimental studies and prediction algorithms are not available or were not evaluated, and the functional significance of this variant is currently unknown. This variant has not been reported in the literature in individuals affected with DMD-related conditions. This variant is not present in population databases (gnomAD no frequency). This variant, c.5600_5602del, results in the deletion of 1 amino acid(s) of the DMD protein (p.Gln1867del), but otherwise preserves the integrity of the reading frame.

NM_004006.3(DMD):c.5600_5602del (p.Gln1867del)

Gene: DMD (dystrophin; minus strand). Cytogenetic location: Xp21.1.
Variant type: Deletion.
Coding change: c.5600_5602del on transcript NM_004006.3 (MANE Select); coding-DNA positions 5600 to 5602, 3 bases deleted (AAA; older notation c.5600_5602delAAA).
Protein change: p.Gln1867del; deletes glutamine 1867.
Molecular consequence: inframe deletion.
Genome position (GRCh38, 1-based): chrX:32,343,271-32,343,273, TTT deleted on the plus strand (AAA on the coding strand, the reverse complement: DMD is on the minus strand). VCF-style (leftmost placement, unchanged base first): chrX-32343270-CTTT-C. GRCh37 (hg19) VCF-style: chrX-32361387-CTTT-C.
Other names: c.5576_5578del, p.Gln1859del (NM_000109.4); c.5588_5590del, p.Gln1863del (NM_004009.3); c.5231_5233del, p.Gln1744del (NM_004010.3); c.1577_1579del, p.Gln526del (NM_004011.4); c.1568_1570del, p.Gln523del (NM_004012.4); short protein forms Q1744del, Q1863del, Q523del, Q526del, Q1859del, Q1867del.
Identifiers: ClinVar variation 2861912 (VCV002861912.3), dbSNP rs2521868421, ClinGen allele CA2739268180.
Genomic context (GRCh38, chrX:32,343,270, plus strand): 5'-TCATCAGCCTGCCTCTTGTACTGATACCACTGATGAGAAATTTCTAGAGCCTTTTTTCTT[CTTT>C]GAGACCTCAAATCCTGTTCATGGTGCAGACATTATTAAAATATCAATATATATGTATAGT-3'